The following is an entry in ClinVar:

ClinVar aggregate classification (germline): Likely benign. Review status: criteria provided, multiple submitters, no conflicts (2 of 4 stars). 2 submissions from 2 submitters: Likely benign (2). Last evaluated 2025-11-05.

Conditions:
MERTK-related disorder. Also called: MERTK-related condition.

Allele frequency attached by ClinVar (database versions not stated): gnomAD 0.00003 and 0.00004; TOPMed 0.00007.
gnomAD v4.1: 23 of 1,614,084 alleles (0.0014%); highest among the groups gnomAD compares: East Asian, 0.024%; no homozygotes.

Submissions (2):

Labcorp Genetics (formerly Invitae), Labcorp
Classification: Likely benign. Last evaluated: 2025-11-05. Review status: criteria provided, single submitter. Criteria: Invitae Variant Classification Sherloc (09022015). Collection method: clinical testing. Allele origin: germline.

PreventionGenetics, part of Exact Sciences
Classification: Likely benign for MERTK-related condition. Last evaluated: 2025-09-04. Review status: criteria provided, single submitter. Criteria: ACMG Guidelines, 2015. Collection method: clinical testing. Allele origin: germline.
Comment: This variant is classified as likely benign based on ACMG/AMP sequence variant interpretation guidelines (Richards et al. 2015 PMID: 25741868, with internal and published modifications).

NM_006343.3(MERTK):c.2835C>T (p.Pro945=)

Gene: MERTK (MER proto-oncogene, tyrosine kinase; plus strand). Cytogenetic location: 2q13.
Variant type: single nucleotide variant.
Coding change: c.2835C>T on transcript NM_006343.3 (MANE Select); coding-DNA position 2835, C replaced by T.
Protein change: p.Pro945=; no amino-acid change (proline 945 retained).
Molecular consequence: synonymous variant.
Genome position (GRCh38, 1-based): chr2:112,028,699, C>T. VCF-style: chr2-112028699-C-T. GRCh37 (hg19) VCF-style: chr2-112786276-C-T.
Other names: c.2835C>T (NM_006343.2).
Identifiers: ClinVar variation 1631009 (VCV001631009.9), dbSNP rs768506814, ClinGen allele CA1831985.